The following is an entry in ClinVar:

NM_004370.6(COL12A1):c.9084T>C (p.Arg3028=)

Gene: COL12A1 (collagen type XII alpha 1 chain; minus strand). Cytogenetic location: 6q13.
Variant type: single nucleotide variant.
Coding change: c.9084T>C on transcript NM_004370.6 (MANE Select); coding-DNA position 9084, T replaced by C.
Protein change: p.Arg3028=; no amino-acid change (arginine 3028 retained).
Molecular consequence: synonymous variant.
Genome position (GRCh38, 1-based): chr6:75,087,674, A>G on the plus strand (T>C on the coding strand, the complement: COL12A1 is on the minus strand). VCF-style: chr6-75087674-A-G. GRCh37 (hg19) VCF-style: chr6-75797390-A-G.
Other names: c.5592T>C, p.Arg1864= (NM_080645.3).
Identifiers: ClinVar variation 751898 (VCV000751898.10), dbSNP rs1448973629, ClinGen allele CA450920870.

ClinVar aggregate classification (germline): Likely benign. Review status: criteria provided, single submitter (1 of 4 stars). 2 submissions from 2 submitters: Likely benign (1). 1 of the submissions does not count toward it. Last evaluated 2023-12-10.

Conditions:
Ullrich congenital muscular dystrophy 2 (UCMD2). Identifiers: Orphanet 75840, MedGen C4225314, MONDO:0014654, OMIM 616470.
Bethlem myopathy 2 (BTHLM2). Identifiers: Orphanet 536516, Orphanet 610, MedGen C4225313, MONDO:0034022, OMIM 616471.
COL12A1-related disorder. Also called: COL12A1-related condition.

Allele frequency attached by ClinVar (database versions not stated): gnomAD exomes 0.00001 and below 0.00001.
gnomAD v4.1: 4 of 1,610,646 alleles (0.00025%); highest among the groups gnomAD compares: Non-Finnish European, 0.00034%; no homozygotes.

Submissions (2):

Labcorp Genetics (formerly Invitae), Labcorp
Classification: Likely benign for Bethlem myopathy 2; Ullrich congenital muscular dystrophy 2. Last evaluated: 2023-12-10. Review status: criteria provided, single submitter. Criteria: Invitae Variant Classification Sherloc (09022015). Collection method: clinical testing. Allele origin: germline.

PreventionGenetics, part of Exact Sciences
Classification: Likely benign for COL12A1-related condition. Last evaluated: 2024-07-10. Review status: no assertion criteria provided. Collection method: clinical testing. Allele origin: germline. Not counted in ClinVar's aggregate classification.
Comment: This variant is classified as likely benign based on ACMG/AMP sequence variant interpretation guidelines (Richards et al. 2015 PMID: 25741868, with internal and published modifications).